The following is an entry in ClinVar:

ClinVar aggregate classification (germline): Conflicting classifications of pathogenicity. Review status: criteria provided, conflicting classifications (1 of 4 stars). 9 submissions from 9 submitters: Uncertain significance (8); Likely benign (1). Last evaluated 2026-01-29.

Conditions:
Cowden syndrome 7 (CWS7). Identifiers: Orphanet 201, MedGen C4225179, MONDO:0014802, OMIM 616858.
Congenital dyserythropoietic anemia, type II (CDAN2). Also called: DYSERYTHROPOIETIC ANEMIA, HEMPAS TYPE. Identifiers: Orphanet 98873, MedGen C1306589, MONDO:0009134, OMIM 224100.

Allele frequency attached by ClinVar (database versions not stated): gnomAD 0.00050 and 0.00064; 1000 Genomes Project 0.00339; ESP Exome Variant Server 0.00038; gnomAD exomes 0.00054; 1000 Genomes Project 30x 0.00281; TOPMed 0.00048; ExAC 0.00058.
gnomAD v4.1: 402 of 1,614,138 alleles (0.025%); highest among the groups gnomAD compares: East Asian, 0.31%; 7 homozygotes.

Submissions (9):

Labcorp Genetics (formerly Invitae), Labcorp
Classification: Likely benign for Congenital dyserythropoietic anemia, type II; Cowden syndrome 7. Last evaluated: 2026-01-29. Review status: criteria provided, single submitter. Criteria: Invitae Variant Classification Sherloc (09022015). Collection method: clinical testing. Allele origin: germline.

Center for Genomic Medicine, Rigshospitalet, Copenhagen University Hospital
Classification: Uncertain significance. Last evaluated: 2025-03-04. Review status: criteria provided, single submitter. Criteria: ACMG Guidelines, 2015. Collection method: clinical testing. Allele origin: germline.

Mayo Clinic Laboratories, Mayo Clinic
Classification: Uncertain significance. Last evaluated: 2024-10-01. Review status: criteria provided, single submitter. Criteria: ACMG Guidelines, 2015. Collection method: clinical testing. Allele origin: germline. Observed: 2 variant alleles.
Comment: PP3

Blueprint Genetics
Classification: Uncertain significance. Last evaluated: 2024-09-18. Review status: criteria provided, single submitter. Criteria: ACMG Guidelines, 2015. Collection method: clinical testing. Allele origin: germline.

ARUP Laboratories, Molecular Genetics and Genomics, ARUP Laboratories
Classification: Uncertain significance. Last evaluated: 2024-06-21. Review status: criteria provided, single submitter. Criteria: ARUP Molecular Germline Variant Investigation Process 2024. Collection method: clinical testing. Allele origin: germline.

Mendelics
Classification: Uncertain significance for Congenital dyserythropoietic anemia, type II. Last evaluated: 2019-05-28. Review status: criteria provided, single submitter. Criteria: Mendelics Assertion Criteria 2017. Collection method: clinical testing. Allele origin: unknown.

Baylor Genetics
Classification: Uncertain significance for Cowden syndrome 7. Last evaluated: 2018-05-09. Review status: criteria provided, single submitter. Criteria: ACMG Guidelines, 2015. Collection method: clinical testing. Allele origin: maternal. Affected: yes.
Comment: This variant was determined to be of uncertain significance according to ACMG Guidelines, 2015 [PMID:25741868].

Soonchunhyang University Bucheon Hospital, Soonchunhyang University Medical Center
Classification: Uncertain significance for Congenital dyserythropoietic anemia, type II. Last evaluated: 2016-03-18. Review status: criteria provided, single submitter. Criteria: ACMG Guidelines, 2015. Collection method: reference population. Allele origin: germline. Observed: 1 variant allele.

Eurofins Ntd Llc (ga)
Classification: Uncertain significance. Last evaluated: 2014-03-10. Review status: criteria provided, single submitter. Criteria: EGL Classification Definitions 2015. Collection method: clinical testing. Allele origin: germline. Observed: 1 variant allele, 1 heterozygote.

Literature cited by the submitters: PubMed 22428539 (cited by 3 submitters); PubMed 26522472 (cited by Mayo Clinic Laboratories, Mayo Clinic); PubMed 30747246 (cited by Mayo Clinic Laboratories, Mayo Clinic); PubMed 34365611 (cited by Mayo Clinic Laboratories, Mayo Clinic); PubMed 37996759 (cited by Mayo Clinic Laboratories, Mayo Clinic); PubMed 38984100 (cited by Mayo Clinic Laboratories, Mayo Clinic).

NM_006363.6(SEC23B):c.74C>A (p.Pro25His)

Gene: SEC23B (SEC23 homolog B, COPII component; plus strand). Cytogenetic location: 20p11.23.
Variant type: single nucleotide variant.
Coding change: c.74C>A on transcript NM_006363.6 (MANE Select); coding-DNA position 74, C replaced by A.
Protein change: p.Pro25His; replaces proline 25 with histidine.
Molecular consequence: missense variant.
Genome position (GRCh38, 1-based): chr20:18,510,909, C>A. VCF-style: chr20-18510909-C-A. GRCh37 (hg19) VCF-style: chr20-18491553-C-A.
Other names: c.74C>A, p.Pro25His (NM_001172745.3, NM_001172746.3, NM_032985.6 and 1 more transcripts); short protein forms P25H.
Identifiers: ClinVar variation 167665 (VCV000167665.31), dbSNP rs6045440, ClinGen allele CA234903.